The following is an entry in ClinVar:

ClinVar aggregate classification (germline): Uncertain significance (1 of 4 stars; one submission).

Allele frequency attached by ClinVar (database versions not stated): gnomAD exomes 0.00001; gnomAD 0.00002; TOPMed 0.00002.
gnomAD v4.1: 6 of 1,613,990 alleles (0.00037%); highest among the groups gnomAD compares: Non-Finnish European, 0.00051%; no homozygotes.

Submission:

Labcorp Genetics (formerly Invitae), Labcorp
Classification: Uncertain significance. Last evaluated: 2024-08-05. Review status: criteria provided, single submitter. Criteria: Invitae Variant Classification Sherloc (09022015). Collection method: clinical testing. Allele origin: germline.
Comment: This sequence change replaces leucine, which is neutral and non-polar, with valine, which is neutral and non-polar, at codon 649 of the RIPK1 protein (p.Leu649Val). This variant is not present in population databases (gnomAD no frequency). This variant has not been reported in the literature in individuals affected with RIPK1-related conditions. ClinVar contains an entry for this variant (Variation ID: 2084129). An algorithm developed to predict the effect of missense changes on protein structure and function (PolyPhen-2) suggests that this variant is likely to be disruptive. In summary, the available evidence is currently insufficient to determine the role of this variant in disease. Therefore, it has been classified as a Variant of Uncertain Significance.

NM_001354930.2(RIPK1):c.1945C>G (p.Leu649Val)

Gene: RIPK1 (receptor interacting serine/threonine kinase 1; plus strand). Cytogenetic location: 6p25.2.
Variant type: single nucleotide variant.
Coding change: c.1945C>G on transcript NM_001354930.2 (MANE Select); coding-DNA position 1945, C replaced by G.
Protein change: p.Leu649Val; replaces leucine 649 with valine.
Molecular consequence: missense variant.
Genome position (GRCh38, 1-based): chr6:3,113,268, C>G. VCF-style: chr6-3113268-C-G. GRCh37 (hg19) VCF-style: chr6-3113502-C-G.
Other names: c.1456C>G, p.Leu486Val (NM_001317061.3, NM_001354932.2, NM_001354933.2 and 1 more transcripts); c.1807C>G, p.Leu603Val (NM_001354931.2); c.1945C>G, p.Leu649Val (NM_003804.6); short protein forms L486V, L603V, L649V.
Identifiers: ClinVar variation 2084129 (VCV002084129.4), dbSNP rs1425436256, ClinGen allele CA362578969.